The following is an entry in ClinVar:

ClinVar aggregate classification (germline): Conflicting classifications of pathogenicity. Review status: criteria provided, conflicting classifications (1 of 4 stars). 2 submissions from 2 submitters: Likely pathogenic (1); Uncertain significance (1). Last evaluated 2025-01-03.

Conditions:
Progressive myoclonic epilepsy. Also called: Progressive myoclonus epilepsy; Familial progressive myoclonic epilepsy; Myoclonus epilepsy; Myoclonic Epilepsies, Progressive. Identifiers: Orphanet 308, Orphanet 98261, MedGen C0751778, MONDO:0020074.
Lafora disease. Also called: Epilepsy progressive myoclonic 2; Progressive Myoclonus Epilepsy, Lafora Type. Identifiers: Orphanet 501, MedGen C0751783, MONDO:0009697.

Allele frequency attached by ClinVar (database versions not stated): gnomAD exomes below 0.00001; gnomAD 0.00001.
gnomAD v4.1: 6 of 1,614,106 alleles (0.00037%); highest among the groups gnomAD compares: Admixed American, 0.0033%; no homozygotes.

Submissions (2):

Broad Center for Mendelian Genomics, Broad Institute of MIT and Harvard
Classification: Likely pathogenic for Lafora disease. Last evaluated: 2025-01-03. Review status: criteria provided, single submitter. Criteria: ACMG Guidelines, 2015. Collection method: curation. Allele origin: germline. Inheritance: Autosomal recessive inheritance.
Comment: The p.Pro301Leu variant in EPM2A has been reported in one individual with Lafora disease (PMID: 11175283), and has been identified in 0.003% (2/60012) of Latino/Admixed American chromosomes by the Genome Aggregation Database (gnomAD; dbSNP ID: rs796052428). Although this variant has been seen in the general population in a heterozygous state, its frequency is low enough to be consistent with a recessive carrier frequency. This variant has also been reported in ClinVar (Variation ID: 2136481) and has been interpreted as a variant of uncertain significance by Invitae. Computational prediction tools and conservation analyses do not provide strong support for or against an impact to the protein. In vitro functional studies provide some evidence that the p.Pro301Leu variant may impact protein function (PMID: 14532330, 19403557, 25544560, 34755096). However, these types of assays may not accurately represent biological function. The p.Pro301Leu variant is located in a region of EPM2A that is essential to protein folding and stability, suggesting that this variant is in a functional domain and slightly supports pathogenicity (PMID: 25544560). Computational prediction tools and conservation analyses suggest that this variant may impact the protein, though this information is not predictive enough to determine pathogenicity. The phenotype of an individual heterozygous for this variant is highly specific for Lafora disease based on Lafora bodies identified via biopsy consistent with disease (PMID: 11175283). In summary, although additional studies are required to fully establish its clinical significance, this variant is likely pathogenic for autosomal recessive Lafora disease. ACMG/AMP Criteria applied: PS3_moderate, PP3, PP4, PM2_supporting, PM1_supporting (Richards 2015).

Labcorp Genetics (formerly Invitae), Labcorp
Classification: Uncertain significance for Progressive myoclonic epilepsy. Last evaluated: 2022-05-24. Review status: criteria provided, single submitter. Criteria: Invitae Variant Classification Sherloc (09022015). Collection method: clinical testing. Allele origin: germline.
Comment: Algorithms developed to predict the effect of missense changes on protein structure and function (SIFT, PolyPhen-2, Align-GVGD) all suggest that this variant is likely to be disruptive. In summary, the available evidence is currently insufficient to determine the role of this variant in disease. Therefore, it has been classified as a Variant of Uncertain Significance. Experimental studies have shown that this missense change affects EPM2A function (PMID: 14532330, 19403557, 25544560). This variant is also known as P300L. This missense change has been observed in individual(s) with Lafora disease (PMID: 11175283). This variant is present in population databases (rs796052428, gnomAD 0.006%). This sequence change replaces proline, which is neutral and non-polar, with leucine, which is neutral and non-polar, at codon 301 of the EPM2A protein (p.Pro301Leu).

Literature cited by the submitters: PubMed 25544560 (cited by Broad Center for Mendelian Genomics, Broad Institute of MIT and Harvard and Labcorp Genetics (formerly Invitae), Labcorp); PubMed 19403557 (cited by Broad Center for Mendelian Genomics, Broad Institute of MIT and Harvard and Labcorp Genetics (formerly Invitae), Labcorp); PubMed 34755096 (cited by Broad Center for Mendelian Genomics, Broad Institute of MIT and Harvard); PubMed 14532330 (cited by Labcorp Genetics (formerly Invitae), Labcorp); PubMed 11175283 (cited by Labcorp Genetics (formerly Invitae), Labcorp).

NM_005670.4(EPM2A):c.902C>T (p.Pro301Leu)

Gene: EPM2A (EPM2A glucan phosphatase, laforin; minus strand). Cytogenetic location: 6q24.3.
Variant type: single nucleotide variant.
Coding change: c.902C>T on transcript NM_005670.4 (MANE Select); coding-DNA position 902, C replaced by T.
Protein change: p.Pro301Leu; replaces proline 301 with leucine.
Molecular consequence: missense variant. On other transcripts: synonymous variant (1), non-coding transcript variant (1).
Genome position (GRCh38, 1-based): chr6:145,627,510, G>A on the plus strand (C>T on the coding strand, the complement: EPM2A is on the minus strand). VCF-style: chr6-145627510-G-A. GRCh37 (hg19) VCF-style: chr6-145948646-G-A.
Other names: NM_005670.4(EPM2A):c.902C>T; c.902C>T, p.Pro301Leu (NM_001018041.2); c.660C>T, p.Ala220= (NM_001360057.2); c.488C>T, p.Pro163Leu (NM_001360064.2, NM_001360071.2, NM_001368131.1); c.440C>T, p.Pro147Leu (NM_001368129.2, NM_001368132.1); short protein forms P301L, P163L, P147L.
Identifiers: ClinVar variation 2136481 (VCV002136481.5), dbSNP rs796052428, ClinGen allele CA314505.